The following is an entry in ClinVar:

NM_000038.6(APC):c.5352_5356dup (p.Arg1786fs)

Gene: APC (APC regulator of Wnt signaling pathway; plus strand). Cytogenetic location: 5q22.2.
Variant type: Duplication.
Coding change: c.5352_5356dup on transcript NM_000038.6 (MANE Select); coding-DNA positions 5352 to 5356, 5 bases duplicated (ATATA; older notation c.5352_5356dupATATA).
Protein change: p.Arg1786fs; shifts the reading frame from arginine 1786.
Molecular consequence: frameshift variant. On other transcripts: non-coding transcript variant (2).
Genome position (GRCh38, 1-based): chr5:112,840,946-112,840,950, ATATA duplicated; duplicating any 5 consecutive bases within chr5:112,840,945-112,840,950 gives the same sequence; the c. name uses the placement nearest the transcript's 3' end. VCF-style (leftmost placement, unchanged base first): chr5-112840944-G-GAATAT. GRCh37 (hg19) VCF-style: chr5-112176641-G-GAATAT.
Other names: c.5352_5356dup, p.Arg1786fs (NM_001127510.3, NM_001354895.2, NM_001407450.1); c.5298_5302dup, p.Arg1768fs (NM_001127511.3); c.5406_5410dup, p.Arg1804fs (NM_001354896.2, NM_001407447.1, NM_001407448.1 and 1 more transcripts); c.5382_5386dup, p.Arg1796fs (NM_001354897.2); c.5277_5281dup, p.Arg1761fs (NM_001354898.2); c.5268_5272dup, p.Arg1758fs (NM_001354899.2); c.5229_5233dup, p.Arg1745fs (NM_001354900.2); c.5175_5179dup, p.Arg1727fs (NM_001354901.2, NM_001407453.1); and 11 more; short protein forms R1503fs, R1657fs, R1703fs, R1768fs, R1776fs, R1779fs, R1804fs, R1660fs.
Identifiers: ClinVar variation 3410311 (VCV003410311.1).

ClinVar aggregate classification (germline): Likely pathogenic (1 of 4 stars; one submission).

Conditions:
Hereditary cancer-predisposing syndrome. Also called: Neoplastic Syndromes, Hereditary; Tumor predisposition; Hereditary Cancer Syndrome; Hereditary neoplastic syndrome. Identifiers: Orphanet 140162, MedGen C0027672, MeSH D009386, MONDO:0015356.

Submission:

Ambry Genetics
Classification: Likely pathogenic for Hereditary cancer-predisposing syndrome. Last evaluated: 2024-08-27. Review status: criteria provided, single submitter. Criteria: Ambry Variant Classification Scheme 2023. Collection method: clinical testing. Allele origin: germline.
Comment: The c.5352_5356dupATATA variant, located in coding exon 15 of the APC gene, results from a duplication of ATATA at nucleotide position 5352, causing a translational frameshift with a predicted alternate stop codon (p.R1786Nfs*6). This alteration occurs at the 3' terminus of theAPC gene, is not expected to trigger nonsense-mediated mRNA decay, and impacts the last 37% of the protein. However, premature stop codons are typically deleterious in nature and a significant portion of the protein is affected (Ambry internal data). This variant is considered to be rare based on population cohorts in the Genome Aggregation Database (gnomAD). Based on the majority of available evidence to date, this variant is likely to be pathogenic.